The following is an entry in ClinVar:

NM_015001.3(SPEN):c.7277C>T (p.Ser2426Phe)

Gene: SPEN (spen family transcriptional repressor; plus strand). Cytogenetic location: 1p36.13.
Variant type: single nucleotide variant.
Coding change: c.7277C>T on transcript NM_015001.3 (MANE Select); coding-DNA position 7277, C replaced by T.
Protein change: p.Ser2426Phe; replaces serine 2426 with phenylalanine.
Molecular consequence: missense variant.
Genome position (GRCh38, 1-based): chr1:15,933,517, C>T. VCF-style: chr1-15933517-C-T. GRCh37 (hg19) VCF-style: chr1-16260012-C-T.
Other names: c.7277C>T (NM_015001.2); short protein forms S2426F.
Identifiers: ClinVar variation 2582851 (VCV002582851.26), dbSNP rs148508636, ClinGen allele CA620069.
Genomic context (GRCh38, chr1:15,933,517, plus strand): 5'-CCTCCACAGAGAATTCGTCCCAAGAAATCAGTGTTGAGGAAAGGACTCCAACCAAAGCAT[C>T]TGTGCCCCCAGACCTTCCCCCACCTCCCCAGCCAGCACCGGTGGATGAGGAGCCTCAAGC-3'
Protein context (NP_055816.2, residues 2416-2436): SVEERTPTKA[Ser2426Phe]VPPDLPPPPQ

ClinVar aggregate classification (germline): Likely benign. Review status: criteria provided, single submitter (1 of 4 stars). 2 submissions from 2 submitters: Likely benign (1). 1 of the submissions does not count toward it. Last evaluated 2023-09-01.

Conditions:
SPEN-related disorder. Also called: SPEN-related condition.

Allele frequency attached by ClinVar (database versions not stated): gnomAD exomes 0.00009; ExAC 0.00021; 1000 Genomes Project 0.00060; gnomAD 0.00080; TOPMed 0.00084; ESP Exome Variant Server 0.00085; 1000 Genomes Project 30x 0.00141.
gnomAD v4.1: 262 of 1,613,976 alleles (0.016%); highest among the groups gnomAD compares: African/African-American, 0.32%; no homozygotes.

Submissions (2):

CeGaT Center for Human Genetics Tuebingen
Classification: Likely benign. Last evaluated: 2023-09-01. Review status: criteria provided, single submitter. Criteria: CeGaT Center For Human Genetics Tuebingen Variant Classification Criteria Version 2. Collection method: clinical testing. Allele origin: germline. Affected: yes. Observed: 1 variant allele.
Comment: SPEN: BP4, BS1

PreventionGenetics, part of Exact Sciences
Classification: Likely benign for SPEN-related condition. Last evaluated: 2023-02-15. Review status: no assertion criteria provided. Collection method: clinical testing. Allele origin: germline. Not counted in ClinVar's aggregate classification.
Comment: This variant is classified as likely benign based on ACMG/AMP sequence variant interpretation guidelines (Richards et al. 2015 PMID: 25741868, with internal and published modifications).